The following is an entry in ClinVar:

NM_002188.3(IL13):c.356G>A (p.Arg119Gln)

Gene: IL13 (interleukin 13; plus strand). Cytogenetic location: 5q31.1.
Variant type: single nucleotide variant.
Coding change: c.356G>A on transcript NM_002188.3 (MANE Select); coding-DNA position 356, G replaced by A.
Protein change: p.Arg119Gln; replaces arginine 119 with glutamine.
Molecular consequence: missense variant.
Genome position (GRCh38, 1-based): chr5:132,660,197, G>A. VCF-style: chr5-132660197-G-A. GRCh37 (hg19) VCF-style: chr5-131995889-G-A.
Other names: c.161G>A, p.Arg54Gln (NM_001354991.2, NM_001354992.2, NM_001354993.2); short protein forms R119Q, R54Q.
Identifiers: ClinVar variation 3045158 (VCV003045158.2), dbSNP rs140828306, ClinGen allele CA3405849.

ClinVar aggregate classification (germline): Benign (0 of 4 stars; one submission).

Conditions:
IL13-related disorder. Also called: IL13-related condition.

Allele frequency attached by ClinVar (database versions not stated): ExAC 0.00072; ESP Exome Variant Server 0.00208; TOPMed 0.00222; 1000 Genomes Project 0.00240; 1000 Genomes Project 30x 0.00265.

Submission:

PreventionGenetics, part of Exact Sciences
Classification: Benign for IL13-related condition. Last evaluated: 2019-11-07. Review status: no assertion criteria provided. Collection method: clinical testing. Allele origin: germline.
Comment: This variant is classified as benign based on ACMG/AMP sequence variant interpretation guidelines (Richards et al. 2015 PMID: 25741868, with internal and published modifications).